The following is an entry in ClinVar:

ClinVar aggregate classification (germline): Conflicting classifications of pathogenicity. Review status: criteria provided, conflicting classifications (1 of 4 stars). 3 submissions from 3 submitters: Uncertain significance (2); Likely benign (1). Last evaluated 2026-01-02.

Conditions:
Autoimmune lymphoproliferative syndrome type 1. Also called: AUTOIMMUNE LYMPHOPROLIFERATIVE SYNDROME, TYPE I, AUTOSOMAL DOMINANT. Identifiers: Orphanet 3261, MedGen C2717884, MONDO:0011158, OMIM 601859.
FAS-related disorder. Also called: FAS-related condition.

Allele frequency attached by ClinVar (database versions not stated): gnomAD exomes 0.00008; ExAC 0.00012; ESP Exome Variant Server 0.00015; 1000 Genomes Project 30x 0.00016; gnomAD 0.00017 and 0.00018; 1000 Genomes Project 0.00020; TOPMed 0.00020.
gnomAD v4.1: 40 of 1,613,816 alleles (0.0025%); highest among the groups gnomAD compares: African/African-American, 0.045%; no homozygotes.

Submissions (3):

Labcorp Genetics (formerly Invitae), Labcorp
Classification: Uncertain significance for Autoimmune lymphoproliferative syndrome. Last evaluated: 2026-01-02. Review status: criteria provided, single submitter. Criteria: Invitae Variant Classification Sherloc (09022015). Collection method: clinical testing. Allele origin: germline.
Comment: This sequence change replaces threonine, which is neutral and polar, with isoleucine, which is neutral and non-polar, at codon 305 of the FAS protein (p.Thr305Ile). This variant is present in population databases (rs3218611, gnomAD 0.07%). This variant has not been reported in the literature in individuals affected with FAS-related conditions. ClinVar contains an entry for this variant (Variation ID: 653881). Invitae Evidence Modeling of protein sequence and biophysical properties (such as structural, functional, and spatial information, amino acid conservation, physicochemical variation, residue mobility, and thermodynamic stability) has been performed for this missense variant. However, the output from this modeling did not meet the statistical confidence thresholds required to predict the impact of this variant on FAS protein function. In summary, the available evidence is currently insufficient to determine the role of this variant in disease. Therefore, it has been classified as a Variant of Uncertain Significance.

PreventionGenetics, part of Exact Sciences
Classification: Likely benign for FAS-related condition. Last evaluated: 2024-11-26. Review status: criteria provided, single submitter. Criteria: ACMG Guidelines, 2015. Collection method: clinical testing. Allele origin: germline.
Comment: This variant is classified as likely benign based on ACMG/AMP sequence variant interpretation guidelines (Richards et al. 2015 PMID: 25741868, with internal and published modifications).

Blueprint Genetics
Classification: Uncertain significance. Last evaluated: 2024-11-13. Review status: criteria provided, single submitter. Criteria: ACMG Guidelines, 2015. Collection method: clinical testing. Allele origin: germline.

NM_000043.6(FAS):c.914C>T (p.Thr305Ile)

Gene: FAS (Fas cell surface death receptor; plus strand). Cytogenetic location: 10q23.31.
Variant type: single nucleotide variant.
Coding change: c.914C>T on transcript NM_000043.6 (MANE Select); coding-DNA position 914, C replaced by T.
Protein change: p.Thr305Ile; replaces threonine 305 with isoleucine.
Molecular consequence: missense variant. On other transcripts: 3 prime UTR variant (2), non-coding transcript variant (7).
Genome position (GRCh38, 1-based): chr10:89,014,356, C>T. VCF-style: chr10-89014356-C-T. GRCh37 (hg19) VCF-style: chr10-90774113-C-T.
Other names: c.*237C>T (NM_001320619.2); c.851C>T, p.Thr284Ile (NM_152871.4); c.*226C>T (NM_152872.4); short protein forms T305I, T284I.
Identifiers: ClinVar variation 653881 (VCV000653881.11), dbSNP rs3218611, ClinGen allele CA5593234.